The following is an entry in ClinVar:

NC_012920.1(MT-ATP8):m.8397C>G

Gene: MT-ATP8 (mitochondrially encoded ATP synthase 8; plus strand).
Variant type: single nucleotide variant.
Genome position: chrM-8397-C-G.
Identifiers: ClinVar variation 692843 (VCV000692843.1), dbSNP rs1603221456, ClinGen allele CA414795927.
Genomic context (GRCh38, chrMT:8,397, plus strand): 5'-TAAGAGAACCAACACCTCTTTACAGTGAAATGCCCCAACTAAATACTACCGTATGGCCCA[C>G]CATAATTACCCCCATACTCCTTACACTATTCCTCATCACCCAACTAAAAATATTAAACAC-3'

ClinVar aggregate classification (germline): Uncertain significance (1 of 4 stars; one submission).

Conditions:
Leigh syndrome (NULS). Also called: Leigh's necrotizing encephalopathy; Leigh's disease; Leigh Syndrome (mtDNA deletion); Leigh Disease; Subacute necrotizing encephalopathy; Necrotizing encephalopathy infantile subacute of Leigh. Identifiers: Orphanet 506, MedGen C2931891, MONDO:0009723, OMIM 256000.

Submission:

Wong Mito Lab, Molecular and Human Genetics, Baylor College of Medicine
Classification: Uncertain significance for Leigh syndrome. Last evaluated: 2019-10-17. Review status: criteria provided, single submitter. Criteria: Modified ACMG Guidelines (Unpublished). Collection method: clinical testing. Allele origin: germline.
Comment: The NC_012920.1:m.8397C>G (YP_003024030.1:p.Thr11Ser) variant in MTATP8 gene is interpretated to be a Uncertain Significance variant based on the modified ACMG guidelines (unpublished). This variant meets the following evidence codes: PP6, PP7